The following is an entry in ClinVar:

NM_000548.5(TSC2):c.1667C>T (p.Ser556Phe)

Gene: TSC2 (TSC complex subunit 2; plus strand). Cytogenetic location: 16p13.3.
Variant type: single nucleotide variant.
Coding change: c.1667C>T on transcript NM_000548.5 (MANE Select); coding-DNA position 1667, C replaced by T.
Protein change: p.Ser556Phe; replaces serine 556 with phenylalanine.
Molecular consequence: missense variant.
Genome position (GRCh38, 1-based): chr16:2,065,586, C>T. VCF-style: chr16-2065586-C-T. GRCh37 (hg19) VCF-style: chr16-2115587-C-T.
Other names: c.1667C>T, p.Ser556Phe (NM_001077183.3, NM_001114382.3, NM_001363528.2 and 3 more transcripts); c.1556C>T, p.Ser519Phe (NM_001318827.2); c.1520C>T, p.Ser507Phe (NM_001318829.2); c.1067C>T, p.Ser356Phe (NM_001318831.2); c.1700C>T, p.Ser567Phe (NM_001318832.2); short protein forms S519F, S567F, S556F, S356F, S507F.
Identifiers: ClinVar variation 857607 (VCV000857607.10), dbSNP rs2087235893, ClinGen allele CA394268109.

ClinVar aggregate classification (germline): Uncertain significance. Review status: criteria provided, multiple submitters, no conflicts (2 of 4 stars). 2 submissions from 2 submitters: Uncertain significance (2). Last evaluated 2024-06-16.

Conditions:
Hereditary cancer-predisposing syndrome. Also called: Hereditary neoplastic syndrome; Tumor predisposition; Neoplastic Syndromes, Hereditary; Hereditary Cancer Syndrome. Identifiers: Orphanet 140162, MedGen C0027672, MeSH D009386, MONDO:0015356.
Tuberous sclerosis 2 (TSC2). Identifiers: Orphanet 805, MedGen C1860707, MONDO:0013199, OMIM 613254.

Submissions (2):

Ambry Genetics
Classification: Uncertain significance for Hereditary cancer-predisposing syndrome. Last evaluated: 2024-06-16. Review status: criteria provided, single submitter. Criteria: Ambry Variant Classification Scheme 2023. Collection method: clinical testing. Allele origin: germline.
Comment: The p.S556F variant (also known as c.1667C>T), located in coding exon 15 of the TSC2 gene, results from a C to T substitution at nucleotide position 1667. The serine at codon 556 is replaced by phenylalanine, an amino acid with highly dissimilar properties. This amino acid position is conserved. In addition, this alteration is predicted to be deleterious by in silico analysis. Based on the available evidence, the clinical significance of this variant remains unclear.

Labcorp Genetics (formerly Invitae), Labcorp
Classification: Uncertain significance for Tuberous sclerosis 2. Last evaluated: 2023-06-07. Review status: criteria provided, single submitter. Criteria: Invitae Variant Classification Sherloc (09022015). Collection method: clinical testing. Allele origin: germline.
Comment: In summary, the available evidence is currently insufficient to determine the role of this variant in disease. Therefore, it has been classified as a Variant of Uncertain Significance. Advanced modeling of protein sequence and biophysical properties (such as structural, functional, and spatial information, amino acid conservation, physicochemical variation, residue mobility, and thermodynamic stability) performed at Invitae indicates that this missense variant is not expected to disrupt TSC2 protein function. ClinVar contains an entry for this variant (Variation ID: 857607). This variant has not been reported in the literature in individuals affected with TSC2-related conditions. This variant is not present in population databases (gnomAD no frequency). This sequence change replaces serine, which is neutral and polar, with phenylalanine, which is neutral and non-polar, at codon 556 of the TSC2 protein (p.Ser556Phe).